The following is an entry in ClinVar:

NM_032578.4(MYPN):c.3659+113T>G

Gene: MYPN (myopalladin; plus strand). Cytogenetic location: 10q21.3.
Variant type: single nucleotide variant.
Coding change: c.3659+113T>G on transcript NM_032578.4 (MANE Select); 113 bases into the intron after coding-DNA position 3659, T replaced by G.
Molecular consequence: intron variant.
Genome position (GRCh38, 1-based): chr10:68,202,107, T>G. VCF-style: chr10-68202107-T-G. GRCh37 (hg19) VCF-style: chr10-69961864-T-G.
Other names: NC_000010.10:g.69961864T>G; c.3659+113T>G (NM_001256267.2); c.2777+113T>G (NM_001256268.2).
Identifiers: ClinVar variation 675306 (VCV000675306.2), dbSNP rs56006628, ClinGen allele CA13193350.

ClinVar aggregate classification (germline): Benign (1 of 4 stars; one submission).

Allele frequency attached by ClinVar (database versions not stated): 1000 Genomes Project 0.02995; 1000 Genomes Project 30x 0.03107; gnomAD exomes 0.05051; gnomAD 0.05231 and 0.05551; TOPMed 0.05417.
gnomAD v4.1: 62,324 of 1,227,418 alleles (5.1%); highest among the groups gnomAD compares: African/African-American, 6.1%; 1,767 homozygotes.

Submissions (7):

GeneDx
Classification: Benign. Last evaluated: 2018-06-14. Review status: criteria provided, single submitter. Criteria: GeneDx Variant Classification (06012015). Collection method: clinical testing. Allele origin: germline. Affected: yes.
Comment: This variant is considered likely benign or benign based on one or more of the following criteria: it is a conservative change, it occurs at a poorly conserved position in the protein, it is predicted to be benign by multiple in silico algorithms, and/or has population frequency not consistent with disease.

Dr. Peter K. Rogan Lab, Western University
No classification provided (evidence only). Condition: Acute myeloid leukemia. Review status: no classification provided. Collection method: in vitro. Allele origin: not applicable. Functional consequence: retained intron. Not counted in ClinVar's aggregate classification.

Dr. Peter K. Rogan Lab, Western University
No classification provided (evidence only). Condition: Acute myeloid leukemia. Review status: no classification provided. Collection method: in vitro. Allele origin: not applicable. Functional consequence: retained intron. Not counted in ClinVar's aggregate classification.

Dr. Peter K. Rogan Lab, Western University
No classification provided (evidence only). Condition: Sarcoma. Review status: no classification provided. Collection method: in vitro. Allele origin: not applicable. Functional consequence: skipped exon, retained intron. Not counted in ClinVar's aggregate classification.

Dr. Peter K. Rogan Lab, Western University
No classification provided (evidence only). Condition: Sarcoma. Review status: no classification provided. Collection method: in vitro. Allele origin: not applicable. Functional consequence: retained intron. Not counted in ClinVar's aggregate classification.

Dr. Peter K. Rogan Lab, Western University
No classification provided (evidence only). Condition: Gastric cancer. Review status: no classification provided. Collection method: in vitro. Allele origin: not applicable. Functional consequence: retained intron. Not counted in ClinVar's aggregate classification.

Dr. Peter K. Rogan Lab, Western University
No classification provided (evidence only). Condition: Uterine carcinosarcoma. Review status: no classification provided. Collection method: in vitro. Allele origin: not applicable. Functional consequence: retained intron. Not counted in ClinVar's aggregate classification.